The following is an entry in ClinVar:

NM_021815.5(SLC5A7):c.1581dup (p.Lys528Ter)

Gene: SLC5A7 (solute carrier family 5 member 7; plus strand). Cytogenetic location: 2q12.3.
Variant type: Duplication.
Coding change: c.1581dup on transcript NM_021815.5 (MANE Select); coding-DNA position 1581, one base duplicated (T; older notation c.1581dupT).
Protein change: p.Lys528Ter; replaces lysine 528 with a stop codon.
Molecular consequence: nonsense.
Genome position (GRCh38, 1-based): chr2:108,010,699, T duplicated. VCF-style (leftmost placement, unchanged base first): chr2-108010698-A-AT. GRCh37 (hg19) VCF-style: chr2-108627154-A-AT.
Other names: c.1581dup, p.Lys528Ter (NM_001305005.3); c.1266dup, p.Lys423Ter (NM_001305006.3); c.840dup, p.Lys281Ter (NM_001305007.3); short protein forms K528*, K281*, K423*.
Identifiers: ClinVar variation 841330 (VCV000841330.7), dbSNP rs1678292762, ClinGen allele CA916082191.

ClinVar aggregate classification (germline): Uncertain significance (1 of 4 stars; one submission).

Conditions:
Congenital myasthenic syndrome 20. Also called: Myasthenic syndrome, congenital, 20, presynaptic. Identifiers: MedGen C4310694, MONDO:0014939, OMIM 617143.
Neuronopathy, distal hereditary motor, type 7A. Also called: HARPER-YOUNG MYOPATHY; HMN VIIA; SPINAL MUSCULAR ATROPHY, DISTAL, WITH VOCAL CORD PARALYSIS; NEURONOPATHY, DISTAL HEREDITARY MOTOR, HARDING TYPE VIIA; NEUROPATHY, DISTAL HEREDITARY MOTOR, HARDING TYPE VIIA; Neuronopathy, distal hereditary motor, autosomal dominant 7. Identifiers: Orphanet 139589, MedGen C1834703, MONDO:0008024, OMIM 158580.

Submission:

Labcorp Genetics (formerly Invitae), Labcorp
Classification: Uncertain significance for Neuronopathy, distal hereditary motor, type 7A; Congenital myasthenic syndrome 20. Last evaluated: 2019-02-18. Review status: criteria provided, single submitter. Criteria: Invitae Variant Classification Sherloc (09022015). Collection method: clinical testing. Allele origin: germline.
Comment: In summary, the available evidence is currently insufficient to determine the role of this variant in disease. Therefore, it has been classified as a Variant of Uncertain Significance. Experimental studies and prediction algorithms are not available for this variant, and the functional significance of the affected amino acid(s) is currently unknown. This variant has not been reported in the literature in individuals with SLC5A7-related conditions. This variant is not present in population databases (ExAC no frequency). This sequence change results in a premature translational stop signal in the SLC5A7 gene (p.Lys528*). While this is not anticipated to result in nonsense mediated decay, it is expected to disrupt the last 53 amino acids of the SLC5A7 protein.